The following is an entry in ClinVar:

NM_000969.5(RPL5):c.35A>G (p.Tyr12Cys)

Genes: DIPK1A (divergent protein kinase domain 1A; minus strand), RPL5 (ribosomal protein L5; plus strand). Cytogenetic location: 1p22.1.
Variant type: single nucleotide variant.
Coding change: c.35A>G on transcript NM_000969.5 (MANE Select); coding-DNA position 35, A replaced by G.
Protein change: p.Tyr12Cys; replaces tyrosine 12 with cysteine.
Molecular consequence: missense variant. On other transcripts: non-coding transcript variant (1), intron variant (1).
Genome position (GRCh38, 1-based): chr1:92,833,420, A>G. VCF-style: chr1-92833420-A-G. GRCh37 (hg19) VCF-style: chr1-93298977-A-G.
Other names: c.475-386T>C (NM_001252273.2); short protein forms Y12C.
Identifiers: ClinVar variation 948744 (VCV000948744.10), dbSNP rs1686991615, ClinGen allele CA341240699.

ClinVar aggregate classification (germline): Uncertain significance (1 of 4 stars; one submission).

Conditions:
Diamond-Blackfan anemia. Also called: Blackfan Diamond syndrome; Aregenerative anemia chronic congenital; Red cell aplasia, pure hereditary; Congenital hypoplastic anemia; Aase syndrome. Identifiers: Orphanet 124, MedGen C1260899, MeSH D029503, MONDO:0015253, HP:0004810.

Allele frequency attached by ClinVar (database versions not stated): gnomAD exomes below 0.00001.

Submission:

Labcorp Genetics (formerly Invitae), Labcorp
Classification: Uncertain significance for Diamond-Blackfan anemia. Last evaluated: 2019-06-04. Review status: criteria provided, single submitter. Criteria: Invitae Variant Classification Sherloc (09022015). Collection method: clinical testing. Allele origin: germline.
Comment: In summary, the available evidence is currently insufficient to determine the role of this variant in disease. Therefore, it has been classified as a Variant of Uncertain Significance. Algorithms developed to predict the effect of missense changes on protein structure and function are either unavailable or do not agree on the potential impact of this missense change (SIFT: "Deleterious"; PolyPhen-2: "Probably Damaging"; Align-GVGD: "Class C0"). This variant has not been reported in the literature in individuals with RPL5-related conditions. This variant is not present in population databases (ExAC no frequency). This sequence change replaces tyrosine with cysteine at codon 12 of the RPL5 protein (p.Tyr12Cys). The tyrosine residue is highly conserved and there is a large physicochemical difference between tyrosine and cysteine.